The following is an entry in ClinVar:

ClinVar aggregate classification (germline): Uncertain significance. Review status: criteria provided, multiple submitters, no conflicts (2 of 4 stars). 2 submissions from 2 submitters: Uncertain significance (2). Last evaluated 2021-09-16.

Conditions:
Cardiovascular phenotype. Identifiers: MedGen CN230736.

Allele frequency attached by ClinVar (database versions not stated): gnomAD exomes below 0.00001.

Submissions (2):

Ambry Genetics
Classification: Uncertain significance for Cardiovascular phenotype. Last evaluated: 2021-09-16. Review status: criteria provided, single submitter. Criteria: Ambry Variant Classification Scheme 2023. Collection method: clinical testing. Allele origin: germline.
Comment: The p.P232S variant (also known as c.694C>T), located in coding exon 5 of the FKTN gene, results from a C to T substitution at nucleotide position 694. The proline at codon 232 is replaced by serine, an amino acid with similar properties. This amino acid position is conserved. In addition, this alteration is predicted to be deleterious by in silico analysis. Since supporting evidence is limited at this time, the clinical significance of this alteration remains unclear.

Eurofins Ntd Llc (ga)
Classification: Uncertain significance. Last evaluated: 2018-04-05. Review status: criteria provided, single submitter. Criteria: EGL ClinVar v180209 classification definitions. Collection method: clinical testing. Allele origin: germline. Observed: 1 variant allele, 1 heterozygote.

NM_001079802.2(FKTN):c.694C>T (p.Pro232Ser)

Gene: FKTN (fukutin; plus strand). Cytogenetic location: 9q31.2.
Variant type: single nucleotide variant.
Coding change: c.694C>T on transcript NM_001079802.2 (MANE Select); coding-DNA position 694, C replaced by T.
Protein change: p.Pro232Ser; replaces proline 232 with serine.
Molecular consequence: missense variant. On other transcripts: non-coding transcript variant (2).
Genome position (GRCh38, 1-based): chr9:105,607,865, C>T. VCF-style: chr9-105607865-C-T. GRCh37 (hg19) VCF-style: chr9-108370146-C-T.
Other names: c.694C>T, p.Pro232Ser (NM_001198963.2, NM_001351496.2, NM_001351498.2 and 1 more transcripts); c.625C>T, p.Pro209Ser (NM_001351497.2); c.298C>T, p.Pro100Ser (NM_001351499.2, NM_001351500.2, NM_001351501.2 and 1 more transcripts); short protein forms P232S, P100S, P209S.
Identifiers: ClinVar variation 596645 (VCV000596645.7), dbSNP rs1034968484, ClinGen allele CA197441374.